The following is an entry in ClinVar:

NM_053025.4(MYLK):c.2857T>C (p.Phe953Leu)

Gene: MYLK (myosin light chain kinase; minus strand). Cytogenetic location: 3q21.1.
Variant type: single nucleotide variant.
Coding change: c.2857T>C on transcript NM_053025.4 (MANE Select); coding-DNA position 2857, T replaced by C.
Protein change: p.Phe953Leu; replaces phenylalanine 953 with leucine.
Molecular consequence: missense variant.
Genome position (GRCh38, 1-based): chr3:123,700,611, A>G on the plus strand (T>C on the coding strand, the complement: MYLK is on the minus strand). VCF-style: chr3-123700611-A-G. GRCh37 (hg19) VCF-style: chr3-123419458-A-G.
Other names: c.2329T>C, p.Phe777Leu (NM_001321309.2); c.2650T>C, p.Phe884Leu (NM_053026.4, NM_053028.4); c.2857T>C, p.Phe953Leu (NM_053027.4); short protein forms F953L, F777L, F884L.
Identifiers: ClinVar variation 2854506 (VCV002854506.3), dbSNP rs2061156707, ClinGen allele CA354231011.

ClinVar aggregate classification (germline): Uncertain significance (1 of 4 stars; one submission).

Conditions:
Aortic aneurysm, familial thoracic 7 (AAT7). Also called: AORTIC DISSECTION, FAMILIAL, WITH OR WITHOUT AORTIC ANEURYSM. Identifiers: MedGen C3151077, MONDO:0013418, OMIM 613780.

Submission:

Labcorp Genetics (formerly Invitae), Labcorp
Classification: Uncertain significance for Aortic aneurysm, familial thoracic 7. Last evaluated: 2025-05-20. Review status: criteria provided, single submitter. Criteria: Invitae Variant Classification Sherloc (09022015). Collection method: clinical testing. Allele origin: germline.
Comment: This sequence change replaces phenylalanine, which is neutral and non-polar, with leucine, which is neutral and non-polar, at codon 953 of the MYLK protein (p.Phe953Leu). This variant is not present in population databases (gnomAD no frequency). This variant has not been reported in the literature in individuals affected with MYLK-related conditions. ClinVar contains an entry for this variant (Variation ID: 2854506). Invitae Evidence Modeling of protein sequence and biophysical properties (such as structural, functional, and spatial information, amino acid conservation, physicochemical variation, residue mobility, and thermodynamic stability) indicates that this missense variant is not expected to disrupt MYLK protein function with a negative predictive value of 80%. In summary, the available evidence is currently insufficient to determine the role of this variant in disease. Therefore, it has been classified as a Variant of Uncertain Significance.